The following is an entry in ClinVar:

NM_000245.4(MET):c.*5A>G

Gene: MET (MET proto-oncogene, receptor tyrosine kinase; plus strand). Cytogenetic location: 7q31.2.
Variant type: single nucleotide variant.
Coding change: c.*5A>G on transcript NM_000245.4 (MANE Select); 5 bases downstream of the stop codon, A replaced by G.
Molecular consequence: 3 prime UTR variant.
Genome position (GRCh38, 1-based): chr7:116,796,129, A>G. VCF-style: chr7-116796129-A-G. GRCh37 (hg19) VCF-style: chr7-116436183-A-G.
Other names: c.*5A>G (NM_001127500.3, NM_001324402.2).
Identifiers: ClinVar variation 3773068 (VCV003773068.1).

ClinVar aggregate classification (germline): Benign (1 of 4 stars; one submission).

Conditions:
Papillary renal cell carcinoma type 1 (RCCP1). Also called: Renal adenocarcinoma; Renal cell carcinoma 1; Renal cell carcinoma, somatic; RENAL CELL CARCINOMA, PAPILLARY, 1, SOMATIC. Identifiers: Orphanet 47044, MedGen C1336839, OMIM 605074, HP:0011797.

Submission:

Myriad Genetics, Inc.
Classification: Benign for Papillary renal cell carcinoma type 1. Last evaluated: 2024-11-15. Review status: criteria provided, single submitter. Criteria: Myriad Autosomal Dominant, Autosomal Recessive and X-Linked Classification Criteria (2023). Collection method: clinical testing. Allele origin: unknown.
Comment: This variant is considered benign. This variant occurs in the non-coding 3' untranslated region of the gene, and is not expected to impact protein function.